The following is an entry in ClinVar:

ClinVar aggregate classification (germline): Uncertain significance (1 of 4 stars; one submission).

Conditions:
Evans syndrome, immunodeficiency, and premature immunosenescence associated with tripeptidyl-peptidase II deficiency. Identifiers: MedGen CN231723. Disease mechanism: loss of function.

Allele frequency attached by ClinVar (database versions not stated): TOPMed below 0.00001; gnomAD 0.00001; gnomAD exomes 0.00002 and 0.00005.
gnomAD v4.1: 72 of 1,599,334 alleles (0.0045%); highest among the groups gnomAD compares: Non-Finnish European, 0.0057%; no homozygotes.

Submission:

Labcorp Genetics (formerly Invitae), Labcorp
Classification: Uncertain significance for Evans syndrome, immunodeficiency, and premature immunosenescence associated with tripeptidyl-peptidase II deficiency. Last evaluated: 2022-09-13. Review status: criteria provided, single submitter. Criteria: Invitae Variant Classification Sherloc (09022015). Collection method: clinical testing. Allele origin: germline.
Comment: This sequence change replaces valine, which is neutral and non-polar, with isoleucine, which is neutral and non-polar, at codon 724 of the TPP2 protein (p.Val724Ile). This variant is present in population databases (rs758772036, gnomAD 0.005%). This variant has not been reported in the literature in individuals affected with TPP2-related conditions. ClinVar contains an entry for this variant (Variation ID: 1442878). Algorithms developed to predict the effect of missense changes on protein structure and function are either unavailable or do not agree on the potential impact of this missense change (SIFT: "Deleterious"; PolyPhen-2: "Benign"; Align-GVGD: "Class C25"). In summary, the available evidence is currently insufficient to determine the role of this variant in disease. Therefore, it has been classified as a Variant of Uncertain Significance.

NM_001330588.2(TPP2):c.2170G>A (p.Val724Ile)

Gene: TPP2 (tripeptidyl peptidase 2; plus strand). Cytogenetic location: 13q33.1.
Variant type: single nucleotide variant.
Coding change: c.2170G>A on transcript NM_001330588.2 (MANE Select); coding-DNA position 2170, G replaced by A.
Protein change: p.Val724Ile; replaces valine 724 with isoleucine.
Molecular consequence: missense variant. On other transcripts: non-coding transcript variant (1).
Genome position (GRCh38, 1-based): chr13:102,643,371, G>A. VCF-style: chr13-102643371-G-A. GRCh37 (hg19) VCF-style: chr13-103295721-G-A.
Other names: c.2170G>A, p.Val724Ile (NM_001367947.1, NM_003291.4); short protein forms V724I.
Identifiers: ClinVar variation 1442878 (VCV001442878.3), dbSNP rs758772036, ClinGen allele CA255164069.